The following is an entry in ClinVar:

ClinVar aggregate classification (germline): Uncertain significance (1 of 4 stars; one submission).

Allele frequency attached by ClinVar (database versions not stated): TOPMed below 0.00001; gnomAD exomes 0.00001.
gnomAD v4.1: 19 of 1,580,558 alleles (0.0012%); highest among the groups gnomAD compares: Admixed American, 0.0053%; no homozygotes.

Submission:

Ambry Genetics
Classification: Uncertain significance. Last evaluated: 2022-12-12. Review status: criteria provided, single submitter. Criteria: Ambry Variant Classification Scheme 2023. Collection method: clinical testing. Allele origin: germline.
Comment: The p.R388C variant (also known as c.1162C>T), located in coding exon 8 of the IDH1 gene, results from a C to T substitution at nucleotide position 1162. The arginine at codon 388 is replaced by cysteine, an amino acid with highly dissimilar properties. This amino acid position is conserved. In addition, the in silico prediction for this alteration is inconclusive. Since supporting evidence is limited at this time, the clinical significance of this alteration remains unclear.

NM_005896.4(IDH1):c.1162C>T (p.Arg388Cys)

Gene: IDH1 (isocitrate dehydrogenase (NADP(+)) 1; minus strand). Cytogenetic location: 2q34.
Variant type: single nucleotide variant.
Coding change: c.1162C>T on transcript NM_005896.4 (MANE Select); coding-DNA position 1162, C replaced by T.
Protein change: p.Arg388Cys; replaces arginine 388 with cysteine.
Molecular consequence: missense variant.
Genome position (GRCh38, 1-based): chr2:208,237,162, G>A on the plus strand (C>T on the coding strand, the complement: IDH1 is on the minus strand). VCF-style: chr2-208237162-G-A. GRCh37 (hg19) VCF-style: chr2-209101886-G-A.
Other names: c.1162C>T, p.Arg388Cys (NM_001282386.1, NM_001282387.1); short protein forms R388C.
Identifiers: ClinVar variation 2491842 (VCV002491842.2), dbSNP rs1168592559, ClinGen allele CA350093662.